The following is an entry in ClinVar:

NM_002529.4(NTRK1):c.219C>T (p.Ile73=)

Gene: NTRK1 (neurotrophic receptor tyrosine kinase 1; plus strand). Cytogenetic location: 1q23.1.
Variant type: single nucleotide variant.
Coding change: c.219C>T on transcript NM_002529.4 (MANE Select); coding-DNA position 219, C replaced by T.
Protein change: p.Ile73=; no amino-acid change (isoleucine 73 retained).
Molecular consequence: synonymous variant.
Genome position (GRCh38, 1-based): chr1:156,864,360, C>T. VCF-style: chr1-156864360-C-T. GRCh37 (hg19) VCF-style: chr1-156834152-C-T.
Other names: c.129C>T, p.Ile43= (NM_001007792.1); c.219C>T, p.Ile73= (NM_001012331.2).
Identifiers: ClinVar variation 705708 (VCV000705708.15), dbSNP rs563296138, ClinGen allele CA1168862.
Genomic context (GRCh38, chr1:156,864,360, plus strand): 5'-TGGGAACTCAAGTGTGGGCCTGAGCCCTGTGACTCCCATCCGCTCTCCCCACAGCTACAT[C>T]GAGAACCAGCAGCATCTGCAGCATCTGGAGCTCCGTGATCTGAGGGGCCTGGGGGAGCTG-3'
Protein context (NP_002520.2, residues 63-83): PGAENLTELY[Ile73=]ENQQHLQHLE

ClinVar aggregate classification (germline): Conflicting classifications of pathogenicity. Review status: criteria provided, conflicting classifications (1 of 4 stars). 6 submissions from 6 submitters: Likely pathogenic (2); Uncertain significance (2); Likely benign (2). Last evaluated 2025-11-27.

Conditions:
Inborn genetic diseases. Identifiers: MedGen C0950123, MeSH D030342.
Hereditary insensitivity to pain with anhidrosis (CIPA). Also called: FAMILIAL DYSAUTONOMIA, TYPE II; INSENSITIVITY TO PAIN, CONGENITAL, WITH ANHIDROSIS; NEUROPATHY, CONGENITAL SENSORY, WITH ANHIDROSIS; hereditary sensory and autonomic neuropathy type 4; NTRK1 Congenital Insensitivity to Pain with Anhidrosis; HSAN Type IV. Identifiers: Orphanet 642, MedGen C0020074, MONDO:0009746, OMIM 256800.

Allele frequency attached by ClinVar (database versions not stated): gnomAD 0.00003; gnomAD exomes 0.00005; TOPMed 0.00006.
gnomAD v4.1: 112 of 1,614,018 alleles (0.0069%); highest among the groups gnomAD compares: Non-Finnish European, 0.0092%; no homozygotes.

Submissions (6):

Labcorp Genetics (formerly Invitae), Labcorp
Classification: Likely benign for Hereditary insensitivity to pain with anhidrosis. Last evaluated: 2025-11-27. Review status: criteria provided, single submitter. Criteria: Invitae Variant Classification Sherloc (09022015). Collection method: clinical testing. Allele origin: germline.

Natera, Inc.
Classification: Likely pathogenic for Hereditary insensitivity to pain with anhidrosis. Last evaluated: 2025-11-19. Review status: criteria provided, single submitter. Criteria: Natera Variant Classification Schema (03/2026). Collection method: clinical testing. Allele origin: germline.
Comment: The c.219C>T variant in NTRK1 is a synonymous variant that does not alter the encoded amino acid at position 73 (p.I73=). This variant is rare in the general population with a frequency below the threshold expected for the associated phenotype(s). This variant has been observed in one or more individuals affected with the associated recessive disease, as either homozygous or compound heterozygous with a second variant (PMID: 32219930). Functional studies show that this variant may disrupt protein function (PMID: 32219930). Given the available evidence, this variant is classified as Likely Pathogenic.

Fulgent Genetics
Classification: Likely pathogenic for Hereditary insensitivity to pain with anhidrosis. Last evaluated: 2024-06-07. Review status: criteria provided, single submitter. Criteria: ACMG Guidelines, 2015. Collection method: clinical testing. Allele origin: germline.

ARUP Laboratories, Molecular Genetics and Genomics, ARUP Laboratories
Classification: Uncertain significance for Hereditary insensitivity to pain with anhidrosis. Last evaluated: 2023-06-15. Review status: criteria provided, single submitter. Criteria: ARUP Molecular Germline Variant Investigation Process 2024. Collection method: clinical testing. Allele origin: germline.
Comment: The NTRK1 c.219C>T; p.Ile73= variant (rs563296138) is reported in the literature in an individual with congenital insensitivity to pain with anhidrosis (CIPA), and was found in trans to a pathogenic NTRK1 variant in this individual (Zhao 2020). The c.219C>T variant was also shown to cause partial skipping of exon 2 (Zhao 2020). This variant is reported in ClinVar (Variation ID: 705708). It is observed in the general population with an overall allele frequency of 0.005% (14/282752 alleles) in the Genome Aggregation Database. Due to limited information, the clinical significance of this variant is uncertain at this time. References: Zhao F et al. Molecular genetic analysis in 21 Chinese families with congenital insensitivity to pain with or without anhidrosis. Eur J Neurol. 2020 Aug;27(8):1697-1705. PMID: 32219930.

Ambry Genetics
Classification: Uncertain significance for Inborn genetic diseases. Last evaluated: 2021-09-22. Review status: criteria provided, single submitter. Criteria: Ambry Variant Classification Scheme 2023. Collection method: clinical testing. Allele origin: germline.
Comment: The c.219C>T (p.I73I) alteration is located in exon 2 (coding exon 2) of the NTRK1 gene. This alteration consists of a C to T substitution at nucleotide position 219. This nucleotide substitution does not change the amino acid at codon 73. Based on insufficient or conflicting evidence, the clinical significance of this alteration remains unclear.

Blueprint Genetics
Classification: Likely benign. Last evaluated: 2021-04-14. Review status: criteria provided, single submitter. Criteria: ACMG Guidelines, 2015. Collection method: clinical testing. Allele origin: germline.

Literature cited by the submitters: PubMed 32219930 (cited by Natera, Inc. and Ambry Genetics).